The following is an entry in ClinVar:

NM_000540.3(RYR1):c.4582T>A (p.Phe1528Ile)

Gene: RYR1 (ryanodine receptor 1; plus strand). Cytogenetic location: 19q13.2.
Variant type: single nucleotide variant.
Coding change: c.4582T>A on transcript NM_000540.3 (MANE Select); coding-DNA position 4582, T replaced by A.
Protein change: p.Phe1528Ile; replaces phenylalanine 1528 with isoleucine.
Molecular consequence: missense variant.
Genome position (GRCh38, 1-based): chr19:38,478,562, T>A. VCF-style: chr19-38478562-T-A. GRCh37 (hg19) VCF-style: chr19-38969202-T-A.
Other names: c.4582T>A, p.Phe1528Ile (NM_001042723.2); short protein forms F1528I.
Identifiers: ClinVar variation 2585509 (VCV002585509.1), dbSNP rs1568476341, ClinGen allele CA405647946.
Genomic context (GRCh38, chr19:38,478,562, plus strand): 5'-ATCAGCCACACGGACCTTGTCATTGGGTGCCTGGTGGACTTGGCCACTGGCTTAATGACC[T>A]TTACAGCCAATGGCAAAGAGAGCAACACCTTTTTCCAGGTGAGTCCAGGCCACAGCAATT-3'
Protein context (NP_000531.2, residues 1518-1538): LVDLATGLMT[Phe1528Ile]TANGKESNTF

ClinVar aggregate classification (germline): Uncertain significance (1 of 4 stars; one submission).

Conditions:
Central core myopathy (CMYO1A). Also called: CONGENITAL MYOPATHY 1A, AUTOSOMAL DOMINANT, WITH SUSCEPTIBILITY TO MALIGNANT HYPERTHERMIA; Central core disease; Myopathy, central fibrillar. Identifiers: Orphanet 597, MedGen C5830701, MONDO:0007294, OMIM 117000.

Submission:

Neuberg Centre For Genomic Medicine, NCGM
Classification: Uncertain significance for Central core myopathy. Review status: criteria provided, single submitter. Criteria: ACMG Guidelines, 2015. Collection method: clinical testing. Allele origin: germline. Inheritance: Autosomal dominant inheritance. Affected: yes.
Comment: The missense variant in c.4582T>A (p.Phe1528Ile) in RYR1 gene has not been reported previously as a pathogenic variant nor as a benign variant, to our knowledge. The p.Phe1528Ile variant is novel (not in any individuals) in gnomAD Exomes and 1000 Genomes. The amino acid Phe at position 1528 is changed to a Ile changing protein sequence and it might alter its composition and physico-chemical properties. The variant is predicted to be damaging by both SIFT and PolyPhen2. The amino acid change p.Phe1528Ile in RYR1 is predicted as conserved by GERP++ and PhyloP across 100 vertebrates. For these reasons, this variant has been classified as Uncertain Significance (VUS).